The following is an entry in ClinVar:

ClinVar aggregate classification (germline): Uncertain significance. Review status: criteria provided, multiple submitters, no conflicts (2 of 4 stars). 8 submissions from 8 submitters: Uncertain significance (8). Last evaluated 2025-03-04.

Conditions:
Chuvash polycythemia. Also called: POLYCYTHEMIA, VHL-DEPENDENT. Identifiers: Orphanet 238557, MedGen C1837915, MONDO:0009892, OMIM 263400.
Von Hippel-Lindau syndrome (VHLS). Also called: von Hippel–Lindau syndrome; VHL syndrome; Von Hippel-Lindau. Identifiers: Orphanet 892, MedGen C0019562, MONDO:0008667, OMIM 193300. Disease mechanism: loss of function.
Hereditary cancer-predisposing syndrome. Also called: Hereditary Cancer Syndrome; Neoplastic Syndromes, Hereditary; Tumor predisposition; Hereditary neoplastic syndrome. Identifiers: Orphanet 140162, MedGen C0027672, MeSH D009386, MONDO:0015356.
VHL-related disorder. Also called: VHL-related condition.

Allele frequency attached by ClinVar (database versions not stated): TOPMed below 0.00001; ExAC 0.00002.
gnomAD v4.1: 6 of 1,614,190 alleles (0.00037%); highest among the groups gnomAD compares: Non-Finnish European, 0.00042%; no homozygotes.

Submissions (8):

Center for Genomic Medicine, Rigshospitalet, Copenhagen University Hospital
Classification: Uncertain significance. Last evaluated: 2025-03-04. Review status: criteria provided, single submitter. Criteria: ACMG Guidelines, 2015. Collection method: clinical testing. Allele origin: germline.

Labcorp Genetics (formerly Invitae), Labcorp
Classification: Uncertain significance for Von Hippel-Lindau syndrome; Chuvash polycythemia. Last evaluated: 2024-12-16. Review status: criteria provided, single submitter. Criteria: Invitae Variant Classification Sherloc (09022015). Collection method: clinical testing. Allele origin: germline.
Comment: This sequence change replaces arginine, which is basic and polar, with lysine, which is basic and polar, at codon 182 of the VHL protein (p.Arg182Lys). This variant is present in population databases (rs749774529, gnomAD 0.006%). This variant has not been reported in the literature in individuals affected with VHL-related conditions. ClinVar contains an entry for this variant (Variation ID: 231869). Invitae Evidence Modeling of protein sequence and biophysical properties (such as structural, functional, and spatial information, amino acid conservation, physicochemical variation, residue mobility, and thermodynamic stability) has been performed for this missense variant. However, the output from this modeling did not meet the statistical confidence thresholds required to predict the impact of this variant on VHL protein function. In summary, the available evidence is currently insufficient to determine the role of this variant in disease. Therefore, it has been classified as a Variant of Uncertain Significance.

Ambry Genetics
Classification: Uncertain significance for Hereditary cancer-predisposing syndrome. Last evaluated: 2024-05-28. Review status: criteria provided, single submitter. Criteria: Ambry Variant Classification Scheme 2023. Collection method: clinical testing. Allele origin: germline.
Comment: The p.R182K variant (also known as c.545G>A), located in coding exon 3 of the VHL gene, results from a G to A substitution at nucleotide position 545. The arginine at codon 182 is replaced by lysine, an amino acid with highly similar properties. This amino acid position is well conserved in available vertebrate species. In addition, the in silico prediction for this alteration is inconclusive. Based on the available evidence, the clinical significance of this variant remains unclear.

All of Us Research Program, National Institutes of Health
Classification: Uncertain significance for Von Hippel-Lindau syndrome. Last evaluated: 2024-03-24. Review status: criteria provided, single submitter. Criteria: ACMG Guidelines, 2015. Collection method: clinical testing. Allele origin: germline. Inheritance: Autosomal dominant inheritance. Observed: 1 variant allele, 1 heterozygote.
Comment: This missense variant replaces arginine with lysine at codon 182 of the VHL protein. Computational prediction is inconclusive regarding the impact of this variant on protein structure and function (internally defined REVEL score threshold 0.5 < inconclusive < 0.7, PMID: 27666373). To our knowledge, functional studies have not been reported for this variant. This variant has been reported in an individual affected with clear-cell renal cell carcinoma (PMID: 26228213). This variant has been identified in 2/251430 chromosomes in the general population by the Genome Aggregation Database (gnomAD). The available evidence is insufficient to determine the role of this variant in disease conclusively. Therefore, this variant is classified as a Variant of Uncertain Significance.

This study involves interpretation of variants in research participants for the purpose of population health screening. Participant phenotype was not available at the time of variant classification. Additional details can be found in publication PMID: 35346344, PMCID: PMC8962531

GeneDx
Classification: Uncertain significance. Last evaluated: 2024-01-29. Review status: criteria provided, single submitter. Criteria: GeneDx Variant Classification Process June 2021. Collection method: clinical testing. Allele origin: germline. Affected: yes.
Comment: In silico analysis supports that this missense variant does not alter protein structure/function; Has not been previously published as pathogenic or benign to our knowledge; Not observed at significant frequency in large population cohorts (gnomAD); This variant is associated with the following publications: (PMID: 26228213, 14965365, 23070752, 20151405, 12629069)

Baylor Genetics
Classification: Uncertain significance for Chuvash polycythemia. Last evaluated: 2023-09-11. Review status: criteria provided, single submitter. Criteria: ACMG Guidelines, 2015. Collection method: clinical testing. Allele origin: unknown.

PreventionGenetics, part of Exact Sciences
Classification: Uncertain significance for VHL-related condition. Last evaluated: 2023-05-17. Review status: criteria provided, single submitter. Criteria: ACMG Guidelines, 2015. Collection method: clinical testing. Allele origin: germline.
Comment: The VHL c.545G>A variant is predicted to result in the amino acid substitution p.Arg182Lys. This variant has been reported in a colorectal cancer specimen, an individual with clear‑cell renal cell carcinoma (Table 1, Kuwai et al. 2004. PubMed ID: 14965365; Table 4, Song et al. 2015. PubMed ID: 26228213). This variant is reported in 2 of ~251,000 alleles in gnomAD and is interpreted as uncertain significance in ClinVar. At this time, the clinical significance of this variant is uncertain due to the absence of conclusive functional and genetic evidence.

Johns Hopkins Genomics, Johns Hopkins University
Classification: Uncertain significance for Von Hippel-Lindau syndrome. Last evaluated: 2021-07-06. Review status: criteria provided, single submitter. Criteria: ACMG Guidelines, 2015. Collection method: clinical testing. Allele origin: germline.
Comment: VHL c.545G>A (rs749774529) is rare (<0.1%) in a large population dataset (gnomAD: 2/251430 total alleles; 0.0008%; no homozygotes) and has been reported in ClinVar (Variation ID: 231869). This variant has not been reported as a germline change in the literature, to our knowledge. Of two bioinformatics tools queried, two predicts that the substitution would be possibly damaging, while one predicts that it would be tolerated. The arginine residue at this position is evolutionarily conserved across the mammalian species assessed We consider the clinical significance of VHL c.545G>A to be uncertain at this time.

Literature cited by the submitters: PubMed 26228213 (cited by All of Us Research Program, National Institutes of Health and Johns Hopkins Genomics, Johns Hopkins University); PubMed 12629069 (cited by Johns Hopkins Genomics, Johns Hopkins University); PubMed 14965365 (cited by Johns Hopkins Genomics, Johns Hopkins University).

NM_000551.4(VHL):c.545G>A (p.Arg182Lys)

Genes: VHL (von Hippel-Lindau tumor suppressor; plus strand), LOC107303340 (3p25 von Hippel-Lindau tumor suppressor, E3 ubiquitin protein ligase Alu-mediated recombination region; plus strand). Cytogenetic location: 3p25.3.
Variant type: single nucleotide variant.
Coding change: c.545G>A on transcript NM_000551.4 (MANE Select); coding-DNA position 545, G replaced by A.
Protein change: p.Arg182Lys; replaces arginine 182 with lysine.
Molecular consequence: missense variant. On other transcripts: 3 prime UTR variant (1).
Genome position (GRCh38, 1-based): chr3:10,149,868, G>A. VCF-style: chr3-10149868-G-A. GRCh37 (hg19) VCF-style: chr3-10191552-G-A.
Other names: c.*99G>A (NM_001354723.2); c.422G>A, p.Arg141Lys (NM_198156.3); short protein forms R182K, R141K.
Identifiers: ClinVar variation 231869 (VCV000231869.25), dbSNP rs749774529, ClinGen allele CA041507.